The following is an entry in ClinVar:

ClinVar aggregate classification (germline): Likely benign. Review status: criteria provided, single submitter (1 of 4 stars). 2 submissions from 2 submitters: Likely benign (1). 1 of the submissions does not count toward it. Last evaluated 2024-10-30.

Conditions:
COG5-related disorder. Also called: COG5-related condition.
COG5-congenital disorder of glycosylation. Also called: CDG IIi; COG5-CDG; CONGENITAL DISORDER OF GLYCOSYLATION, TYPE IIi. Identifiers: Orphanet 263487, MedGen C3150876, MONDO:0013325, OMIM 613612.

Allele frequency attached by ClinVar (database versions not stated): gnomAD exomes below 0.00001 and 0.00001; TOPMed 0.00001; gnomAD 0.00002 and 0.00003.
gnomAD v4.1: 13 of 1,611,352 alleles (0.00081%); highest among the groups gnomAD compares: East Asian, 0.0022%; no homozygotes.

Submissions (2):

Labcorp Genetics (formerly Invitae), Labcorp
Classification: Likely benign for COG5-congenital disorder of glycosylation. Last evaluated: 2024-10-30. Review status: criteria provided, single submitter. Criteria: Invitae Variant Classification Sherloc (09022015). Collection method: clinical testing. Allele origin: germline.

PreventionGenetics, part of Exact Sciences
Classification: Likely benign for COG5-related condition. Last evaluated: 2021-04-28. Review status: no assertion criteria provided. Collection method: clinical testing. Allele origin: germline. Not counted in ClinVar's aggregate classification.
Comment: This variant is classified as likely benign based on ACMG/AMP sequence variant interpretation guidelines (Richards et al. 2015 PMID: 25741868, with internal and published modifications).

NM_006348.5(COG5):c.1657T>C (p.Leu553=)

Genes: COG5 (component of oligomeric golgi complex 5; minus strand), LOC129389837 (MPRA-validated peak6677 silencer; plus strand). Cytogenetic location: 7q22.3.
Variant type: single nucleotide variant.
Coding change: c.1657T>C on transcript NM_006348.5 (MANE Select); coding-DNA position 1657, T replaced by C.
Protein change: p.Leu553=; no amino-acid change (leucine 553 retained).
Molecular consequence: synonymous variant. On other transcripts: intron variant (1).
Genome position (GRCh38, 1-based): chr7:107,258,302, A>G on the plus strand (T>C on the coding strand, the complement: COG5 is on the minus strand). VCF-style: chr7-107258302-A-G. GRCh37 (hg19) VCF-style: chr7-106898747-A-G.
Other names: c.1657T>C, p.Leu553= (NM_001161520.2, NM_001379513.1, NM_001379514.1 and 1 more transcripts); c.1495T>C, p.Leu499= (NM_001379511.1); c.1087T>C, p.Leu363= (NM_001379515.1); c.943T>C, p.Leu315= (NM_001379516.1); c.1576-9803T>C (NM_001379512.1); c.1750T>C (NM_006348.3).
Identifiers: ClinVar variation 1574922 (VCV001574922.10), dbSNP rs1016865948, ClinGen allele CA164684810.